The following is an entry in ClinVar:

ClinVar aggregate classification (germline): Uncertain significance. Review status: criteria provided, multiple submitters, no conflicts (2 of 4 stars). 2 submissions from 2 submitters: Uncertain significance (2). Last evaluated 2025-06-07.

Conditions:
Inborn genetic diseases. Identifiers: MedGen C0950123, MeSH D030342.
Charcot-Marie-Tooth disease type 4. Also called: Charcot-Marie-Tooth, Type 4; Charcot-Marie-Tooth disease, type IV. Identifiers: Orphanet 64749, MedGen C4082197, MONDO:0018995.

Allele frequency attached by ClinVar (database versions not stated): gnomAD exomes below 0.00001 and 0.00002; gnomAD 0.00001; TOPMed below 0.00001.
gnomAD v4.1: 25 of 1,614,048 alleles (0.0015%); highest among the groups gnomAD compares: Non-Finnish European, 0.0021%; no homozygotes.

Submissions (2):

Ambry Genetics
Classification: Uncertain significance for Inborn genetic diseases. Last evaluated: 2025-06-07. Review status: criteria provided, single submitter. Criteria: Ambry Variant Classification Scheme 2023. Collection method: clinical testing. Allele origin: germline.

Labcorp Genetics (formerly Invitae), Labcorp
Classification: Uncertain significance for Charcot-Marie-Tooth disease type 4. Last evaluated: 2023-10-03. Review status: criteria provided, single submitter. Criteria: Invitae Variant Classification Sherloc (09022015). Collection method: clinical testing. Allele origin: germline.
Comment: This sequence change replaces methionine, which is neutral and non-polar, with valine, which is neutral and non-polar, at codon 917 of the SH3TC2 protein (p.Met917Val). This variant is present in population databases (no rsID available, gnomAD 0.0009%). This variant has not been reported in the literature in individuals affected with SH3TC2-related conditions. ClinVar contains an entry for this variant (Variation ID: 1378316). Advanced modeling of protein sequence and biophysical properties (such as structural, functional, and spatial information, amino acid conservation, physicochemical variation, residue mobility, and thermodynamic stability) performed at Invitae indicates that this missense variant is not expected to disrupt SH3TC2 protein function. In summary, the available evidence is currently insufficient to determine the role of this variant in disease. Therefore, it has been classified as a Variant of Uncertain Significance.

NM_024577.4(SH3TC2):c.2749A>G (p.Met917Val)

Gene: SH3TC2 (SH3 domain and tetratricopeptide repeats 2; minus strand). Cytogenetic location: 5q32.
Variant type: single nucleotide variant.
Coding change: c.2749A>G on transcript NM_024577.4 (MANE Select); coding-DNA position 2749, A replaced by G.
Protein change: p.Met917Val; replaces methionine 917 with valine.
Molecular consequence: missense variant.
Genome position (GRCh38, 1-based): chr5:149,026,983, T>C on the plus strand (A>G on the coding strand, the complement: SH3TC2 is on the minus strand). VCF-style: chr5-149026983-T-C. GRCh37 (hg19) VCF-style: chr5-148406546-T-C.
Other names: c.2749A>G (NM_024577.3); short protein forms M917V.
Identifiers: ClinVar variation 1378316 (VCV001378316.5), dbSNP rs1232735360, ClinGen allele CA361665712.